The following is an entry in ClinVar:

ClinVar aggregate classification (germline): Uncertain significance (1 of 4 stars; one submission).

Conditions:
Hereditary hemorrhagic telangiectasia (HHT). Also called: Osler hemorrhagic telangiectasia syndrome; ORW DISEASE; Osler Weber Rendu syndrome; OSLER-RENDU-WEBER DISEASE. Identifiers: Orphanet 774, MedGen C0039445, MONDO:0019180. Disease mechanism: loss of function.

Submission:

Molecular Genetics, Royal Melbourne Hospital
Classification: Uncertain significance for Hereditary hemorrhagic telangiectasia. Last evaluated: 2023-08-01. Review status: criteria provided, single submitter. Criteria: ACMG Guidelines, 2015. Collection method: clinical testing. Allele origin: germline. Inheritance: Autosomal dominant inheritance. Affected: yes.
Comment: This sequence change in ACVRL1 is an intronic variant located in intron 8. This variant is absent from the population database gnomAD v2.1 and v3.1. To our knowledge, this variant is novel and has not been previously reported in the relevant scientific literature or databases. It has been observed in at least one individual with a clinical diagnosis of hereditary haemorrhagic telangiectasia (Royal Melbourne Hospital). The results from an in silico splicing predictor (SpliceAI) indicate that this variant may impact splicing by disrupting the acceptor splice site of intron 8 of ACVRL1 by gain of an acceptor site. Based on the classification scheme RMH Modified ACMG/AMP Guidelines v1.6.1, this variant is classified as a VARIANT OF UNCERTAIN SIGNIFICANCE. Following criteria are met: PM2_Supporting, PP3, PS4_Supporting.

NM_000020.3(ACVRL1):c.1247-7T>G

Gene: ACVRL1 (activin A receptor like type 1; plus strand). Cytogenetic location: 12q13.13.
Variant type: single nucleotide variant.
Coding change: c.1247-7T>G on transcript NM_000020.3 (MANE Select); 7 bases into the intron before coding-DNA position 1247, T replaced by G.
Molecular consequence: intron variant.
Genome position (GRCh38, 1-based): chr12:51,918,978, T>G. VCF-style: chr12-51918978-T-G. GRCh37 (hg19) VCF-style: chr12-52312762-T-G.
Other names: c.1247-7T>G (NM_001406487.1, NM_001406488.1, NM_001077401.2 and 1 more transcripts); c.935-7T>G (NM_001406491.1, NM_001406492.1, NM_001406493.1); c.1091-7T>G (NM_001406490.1); c.737-7T>G (NM_001406494.1); c.683-7T>G (NM_001406495.1).
Identifiers: ClinVar variation 3068686 (VCV003068686.1), dbSNP rs1401204670, ClinGen allele CA2580611961.